The following is an entry in ClinVar:

NM_001038.6(SCNN1A):c.147C>T (p.Ile49=)

Gene: SCNN1A (sodium channel epithelial 1 subunit alpha; minus strand). Cytogenetic location: 12p13.31.
Variant type: single nucleotide variant.
Coding change: c.147C>T on transcript NM_001038.6 (MANE Select); coding-DNA position 147, C replaced by T.
Protein change: p.Ile49=; no amino-acid change (isoleucine 49 retained).
Molecular consequence: synonymous variant.
Genome position (GRCh38, 1-based): chr12:6,374,637, G>A on the plus strand (C>T on the coding strand, the complement: SCNN1A is on the minus strand). VCF-style: chr12-6374637-G-A. GRCh37 (hg19) VCF-style: chr12-6483803-G-A.
Other names: c.216C>T, p.Ile72= (NM_001159575.2); c.324C>T, p.Ile108= (NM_001159576.2).
Identifiers: ClinVar variation 742200 (VCV000742200.13), dbSNP rs200770604, ClinGen allele CA6406292.

ClinVar aggregate classification (germline): Conflicting classifications of pathogenicity. Review status: criteria provided, conflicting classifications (1 of 4 stars). 4 submissions from 3 submitters: Uncertain significance (1); Benign (1); Likely benign (2). Last evaluated 2026-05-01.

Conditions:
Pseudohypoaldosteronism, type IB1, autosomal recessive. Also called: Autosomal recessive pseudohypoaldosteronism type 1; Pseudohypoaldosteronism, Type I, Autosomal Recessive; Pseudohypoaldosteronism, Type I, Recessive; PHA I, AUTOSOMAL RECESSIVE. Identifiers: Orphanet 171876, Orphanet 756, MedGen C5774176, MONDO:0009917, OMIM 264350.
Bronchiectasis with or without elevated sweat chloride 2 (BESC2). Identifiers: Orphanet 60033, MedGen C2751666, MONDO:0013087, OMIM 613021.

Allele frequency attached by ClinVar (database versions not stated): TOPMed 0.00007; 1000 Genomes Project 30x 0.00016; 1000 Genomes Project 0.00020.
gnomAD v4.1: 77 of 1,613,436 alleles (0.0048%); highest among the groups gnomAD compares: Admixed American, 0.1%; no homozygotes.

Submissions (4):

CeGaT Center for Human Genetics Tuebingen
Classification: Likely benign. Last evaluated: 2026-05-01. Review status: criteria provided, single submitter. Criteria: CeGaT Center For Human Genetics Tuebingen Variant Classification Criteria Version 2. Collection method: clinical testing. Allele origin: germline. Affected: yes. Observed: 1 variant allele.
Comment: SCNN1A: BP4, BP7

Labcorp Genetics (formerly Invitae), Labcorp
Classification: Likely benign. Last evaluated: 2025-06-10. Review status: criteria provided, single submitter. Criteria: Invitae Variant Classification Sherloc (09022015). Collection method: clinical testing. Allele origin: germline.

Illumina Laboratory Services, Illumina
Classification: Benign for Bronchiectasis with or without elevated sweat chloride 2. Last evaluated: 2018-01-13. Review status: criteria provided, single submitter. Criteria: ICSL Variant Classification Criteria 13 December 2019. Collection method: clinical testing. Allele origin: germline.
Comment: This variant was observed in the ICSL laboratory as part of a predisposition screen in an ostensibly healthy population. It had not been previously curated by ICSL or reported in the Human Gene Mutation Database (HGMD: prior to June 1st, 2018), and was therefore a candidate for classification through an automated scoring system. Utilizing variant allele frequency, disease prevalence and penetrance estimates, and inheritance mode, an automated score was calculated to assess if this variant is too frequent to cause the disease. Based on the score and internal cut-off values, a variant classified as benign is not then subjected to further curation. The score for this variant resulted in a classification of benign for this disease.

Illumina Laboratory Services, Illumina
Classification: Uncertain significance for Pseudohypoaldosteronism, type IB1, autosomal recessive. Last evaluated: 2018-01-13. Review status: criteria provided, single submitter. Criteria: ICSL Variant Classification Criteria 13 December 2019. Collection method: clinical testing. Allele origin: germline.